The following is an entry in ClinVar:

ClinVar aggregate classification (germline): Uncertain significance. Review status: criteria provided, multiple submitters, no conflicts (2 of 4 stars). 2 submissions from 2 submitters: Uncertain significance (2). Last evaluated 2025-06-13.

Conditions:
Inborn genetic diseases. Identifiers: MedGen C0950123, MeSH D030342.
Holoprosencephaly 9 (HPE9). Also called: PITUITARY ANOMALIES WITH HOLOPROSENCEPHALY-LIKE FEATURES; HOLOPROSENCEPHALY WITH MICROPHTHALMIA AND FIRST BRANCHIAL ARCH ANOMALIES. Identifiers: Orphanet 2162, MedGen C1835819, MONDO:0012563, OMIM 610829.
Postaxial polydactyly-anterior pituitary anomalies-facial dysmorphism syndrome. Also called: Culler-Jones syndrome. Identifiers: Orphanet 420584, MedGen C4014479, MONDO:0014369, OMIM 615849.

Allele frequency attached by ClinVar (database versions not stated): ExAC 0.00002; TOPMed 0.00002.

Submissions (2):

Labcorp Genetics (formerly Invitae), Labcorp
Classification: Uncertain significance for Postaxial polydactyly-anterior pituitary anomalies-facial dysmorphism syndrome; Holoprosencephaly 9. Last evaluated: 2025-06-13. Review status: criteria provided, single submitter. Criteria: Invitae Variant Classification Sherloc (09022015). Collection method: clinical testing. Allele origin: germline.
Comment: This sequence change replaces isoleucine, which is neutral and non-polar, with methionine, which is neutral and non-polar, at codon 317 of the GLI2 protein (p.Ile317Met). This variant is present in population databases (rs755546739, gnomAD 0.02%). This variant has not been reported in the literature in individuals affected with GLI2-related conditions. ClinVar contains an entry for this variant (Variation ID: 3100189). Invitae Evidence Modeling of protein sequence and biophysical properties (such as structural, functional, and spatial information, amino acid conservation, physicochemical variation, residue mobility, and thermodynamic stability) has been performed for this missense variant. However, the output from this modeling did not meet the statistical confidence thresholds required to predict the impact of this variant on GLI2 protein function. In summary, the available evidence is currently insufficient to determine the role of this variant in disease. Therefore, it has been classified as a Variant of Uncertain Significance.

Ambry Genetics
Classification: Uncertain significance for Inborn genetic diseases. Last evaluated: 2023-12-16. Review status: criteria provided, single submitter. Criteria: Ambry Variant Classification Scheme 2023. Collection method: clinical testing. Allele origin: germline.

NM_001374353.1(GLI2):c.951C>G (p.Ile317Met)

Gene: GLI2 (GLI family zinc finger 2; plus strand). Cytogenetic location: 2q14.2.
Variant type: single nucleotide variant.
Coding change: c.951C>G on transcript NM_001374353.1 (MANE Select); coding-DNA position 951, C replaced by G.
Protein change: p.Ile317Met; replaces isoleucine 317 with methionine.
Molecular consequence: missense variant.
Genome position (GRCh38, 1-based): chr2:120,970,498, C>G. VCF-style: chr2-120970498-C-G. GRCh37 (hg19) VCF-style: chr2-121728074-C-G.
Other names: c.951C>G, p.Ile317Met (NM_001371271.1, NM_005270.5); c.576C>G, p.Ile192Met (NM_001374354.1); short protein forms I317M, I192M.
Identifiers: ClinVar variation 3100189 (VCV003100189.2), dbSNP rs755546739, ClinGen allele CA1851719.